The following is an entry in ClinVar:

ClinVar aggregate classification (germline): Pathogenic (1 of 4 stars; one submission).

Submission:

Labcorp Genetics (formerly Invitae), Labcorp
Classification: Pathogenic. Last evaluated: 2022-09-05. Review status: criteria provided, single submitter. Criteria: Invitae Variant Classification Sherloc (09022015). Collection method: clinical testing. Allele origin: germline.
Comment: For these reasons, this variant has been classified as Pathogenic. This variant has not been reported in the literature in individuals affected with GUCY1A1-related conditions. A gross deletion of the genomic region encompassing the full coding sequence of the GUCY1A1 gene has been identified. Loss-of-function variants in GUCY1A1 are known to be pathogenic (PMID: 24581742). The boundaries of this event are unknown as they extend beyond the assayed region for this gene and therefore may encompass additional genes.

Literature cited by the submitters: PubMed 24581742.

NC_000004.11:g.(?_156618020)_(156651383_?)del

Gene: GUCY1A1 (guanylate cyclase 1 soluble subunit alpha 1; plus strand). Cytogenetic location: 4q32.1.
Variant type: Deletion.
Identifiers: ClinVar variation 2423426 (VCV002423426.4).